The following is an entry in ClinVar:

ClinVar aggregate classification (germline): Pathogenic (1 of 4 stars; one submission).

Conditions:
Charcot-Marie-Tooth disease type 4. Also called: Charcot-Marie-Tooth, Type 4; Charcot-Marie-Tooth disease, type IV. Identifiers: Orphanet 64749, MedGen C4082197, MONDO:0018995.

Submission:

Labcorp Genetics (formerly Invitae), Labcorp
Classification: Pathogenic for Charcot-Marie-Tooth disease type 4. Last evaluated: 2023-02-22. Review status: criteria provided, single submitter. Criteria: Invitae Variant Classification Sherloc (09022015). Collection method: clinical testing. Allele origin: germline.
Comment: For these reasons, this variant has been classified as Pathogenic. This variant disrupts a region of the PRX protein in which other variant(s) (p.Gln1169*) have been determined to be pathogenic (Invitae). This suggests that this is a clinically significant region of the protein, and that variants that disrupt it are likely to be disease-causing. This variant has not been reported in the literature in individuals affected with PRX-related conditions. This variant is not present in population databases (gnomAD no frequency). This sequence change creates a premature translational stop signal (p.Ile727Lysfs*7) in the PRX gene. While this is not anticipated to result in nonsense mediated decay, it is expected to disrupt the last 735 amino acid(s) of the PRX protein.

NM_181882.3(PRX):c.2180_2181del (p.Ile727fs)

Gene: PRX (periaxin; minus strand). Cytogenetic location: 19q13.2.
Variant type: Deletion.
Coding change: c.2180_2181del on transcript NM_181882.3 (MANE Select); coding-DNA positions 2180 to 2181, 2 bases deleted (TA; older notation c.2180_2181delTA).
Protein change: p.Ile727fs; shifts the reading frame from isoleucine 727.
Molecular consequence: frameshift variant. On other transcripts: 3 prime UTR variant (1).
Genome position (GRCh38, 1-based): chr19:40,396,171-40,396,172, TA deleted on the plus strand (TA on the coding strand, the reverse complement: PRX is on the minus strand); deleting any 2 consecutive bases within chr19:40,396,171-40,396,173 gives the same sequence; the c. name uses the placement nearest the transcript's 3' end. VCF-style (leftmost placement, unchanged base first): chr19-40396170-TTA-T. GRCh37 (hg19) VCF-style: chr19-40902077-TTA-T.
Other names: c.2465_2466del, p.Ile822fs (NM_001411127.1); c.*2385_*2386del (NM_020956.2); short protein forms I822fs, I727fs.
Identifiers: ClinVar variation 2777990 (VCV002777990.3), dbSNP rs2514804225, ClinGen allele CA2739276801.